The following is an entry in ClinVar:

ClinVar aggregate classification (germline): Uncertain significance (1 of 4 stars; one submission).

Submission:

Quest Diagnostics Nichols Institute San Juan Capistrano
Classification: Uncertain significance. Last evaluated: 2025-08-20. Review status: criteria provided, single submitter. Criteria: Quest Diagnostics criteria. Collection method: clinical testing. Allele origin: unknown.
Comment: The HBA1 c.300+35G>A variant has been reported in the published literature in a cohort of individuals that were screened for thalassemia variants (PMID: 39920831 (2025)). The frequency of this variant in the general population (Genome Aggregation Database) is uninformative in the assessment of its pathogenicity. Analysis of this variant using software algorithms for the prediction of the effect of nucleotide changes on splicing yielded predictions that this variant does not affect HBA1 mRNA splicing. Based on the available information, we are unable to determine the clinical significance of this variant.

Literature cited by the submitters: PubMed 39920831.

NM_000558.5(HBA1):c.300+35G>A

Genes: HBA1 (hemoglobin subunit alpha 1; plus strand), LOC106804613 (hemoglobin subunit alpha 1 recombination region; plus strand). Cytogenetic location: 16p13.3.
Variant type: single nucleotide variant.
Coding change: c.300+35G>A on transcript NM_000558.5 (MANE Select); 35 bases into the intron after coding-DNA position 300, G replaced by A.
Molecular consequence: intron variant.
Genome position (GRCh38, 1-based): chr16:177,168, G>A. VCF-style: chr16-177168-G-A. GRCh37 (hg19) VCF-style: chr16-227167-G-A.
Identifiers: ClinVar variation 4533033 (VCV004533033.1).